The following is an entry in ClinVar:

ClinVar aggregate classification (germline): Likely benign (0 of 4 stars; one submission).

Conditions:
ANKFY1-related disorder. Also called: ANKFY1-related condition.

gnomAD v4.1: 73 of 1,604,630 alleles (0.0045%); highest among the groups gnomAD compares: Non-Finnish European, 0.0054%; no homozygotes.

Submission:

PreventionGenetics, part of Exact Sciences
Classification: Likely benign for ANKFY1-related condition. Last evaluated: 2022-07-14. Review status: no assertion criteria provided. Collection method: clinical testing. Allele origin: germline.
Comment: This variant is classified as likely benign based on ACMG/AMP sequence variant interpretation guidelines (Richards et al. 2015 PMID: 25741868, with internal and published modifications).

NM_001330063.2(ANKFY1):c.84G>A (p.Ala28=)

Gene: ANKFY1 (ankyrin repeat and FYVE domain containing 1; minus strand). Cytogenetic location: 17p13.2.
Variant type: single nucleotide variant.
Coding change: c.84G>A on transcript NM_001330063.2 (MANE Select); coding-DNA position 84, G replaced by A.
Protein change: p.Ala28=; no amino-acid change (alanine 28 retained).
Molecular consequence: synonymous variant. On other transcripts: non-coding transcript variant (1).
Genome position (GRCh38, 1-based): chr17:4,242,375, C>T on the plus strand (G>A on the coding strand, the complement: ANKFY1 is on the minus strand). VCF-style: chr17-4242375-C-T. GRCh37 (hg19) VCF-style: chr17-4145670-C-T.
Other names: c.210G>A, p.Ala70= (NM_001257999.3); c.84G>A, p.Ala28= (NM_016376.5).
Identifiers: ClinVar variation 3032083 (VCV003032083.2), dbSNP rs375008056, ClinGen allele CA8301848.
Genomic context (GRCh38, chr17:4,242,375, plus strand): 5'-CTCGCTGCTGCTCTCCTTGTTTGCCTGCGCAGCCAAGAGAGCGCAGCGCTTCTCTGTCTC[C>T]GCCAGCTTCTTCTGCAGCTTGACATACTCCTGCCGCAGAAGCATCAAGTGCTTCTCCAAC-3'
Protein context (NP_001316992.1, residues 18-38): QEYVKLQKKL[Ala28=]ETEKRCALLA